The following is an entry in ClinVar:

NM_005504.7(BCAT1):c.1144A>T (p.Thr382Ser)

Gene: BCAT1 (branched chain amino acid transaminase 1; minus strand). Cytogenetic location: 12p12.1.
Variant type: single nucleotide variant.
Coding change: c.1144A>T on transcript NM_005504.7 (MANE Select); coding-DNA position 1144, A replaced by T.
Protein change: p.Thr382Ser; replaces threonine 382 with serine.
Molecular consequence: missense variant. On other transcripts: 3 prime UTR variant (1), non-coding transcript variant (5).
Genome position (GRCh38, 1-based): chr12:24,818,025, T>A on the plus strand (A>T on the coding strand, the complement: BCAT1 is on the minus strand). VCF-style: chr12-24818025-T-A. GRCh37 (hg19) VCF-style: chr12-24970959-T-A.
Other names: c.1033A>T, p.Thr345Ser (NM_001178091.2); c.961A>T, p.Thr321Ser (NM_001178092.2); c.1180A>T, p.Thr394Ser (NM_001178093.2); c.1141A>T, p.Thr381Ser (NM_001178094.2); c.*25A>T (NM_001413086.1); c.1216A>T, p.Thr406Ser (NM_001413087.1); c.1207A>T, p.Thr403Ser (NM_001413088.1); c.1189A>T, p.Thr397Ser (NM_001413089.1); and 15 more; short protein forms T345S, T380S, T393S, T298S, T326S, T334S, T381S, T382S.
Identifiers: ClinVar variation 4838754 (VCV004838754.1).

ClinVar aggregate classification (germline): Uncertain significance (1 of 4 stars; one submission).

gnomAD v4.1: 25 of 1,613,004 alleles (0.0015%); highest among the groups gnomAD compares: Middle Eastern, 0.033%; 1 homozygote.

Submission:

Ambry Genetics
Classification: Uncertain significance. Last evaluated: 2025-12-29. Review status: criteria provided, single submitter. Criteria: Ambry Variant Classification Scheme 2023. Collection method: clinical testing. Allele origin: germline.
Comment: The c.1180A>T (p.T394S) alteration is located in exon 11 (coding exon 11) of the BCAT1 gene. This alteration results from a A to T substitution at nucleotide position 1180, causing the threonine (T) at amino acid position 394 to be replaced by a serine (S). Based on data from gnomAD, the T allele has an overall frequency of 0.001% (2/248564) total alleles studied. The highest observed frequency was 0.007% (2/30586) of South Asian alleles. Based on insufficient or conflicting evidence, the clinical significance of this alteration remains unclear.